The following is an entry in ClinVar:

NM_005876.5(SPEG):c.4927C>T (p.Arg1643Cys)

Gene: SPEG (striated muscle enriched protein kinase; plus strand). Cytogenetic location: 2q35.
Variant type: single nucleotide variant.
Coding change: c.4927C>T on transcript NM_005876.5 (MANE Select); coding-DNA position 4927, C replaced by T.
Protein change: p.Arg1643Cys; replaces arginine 1643 with cysteine.
Molecular consequence: missense variant.
Genome position (GRCh38, 1-based): chr2:219,478,005, C>T. VCF-style: chr2-219478005-C-T. GRCh37 (hg19) VCF-style: chr2-220342727-C-T.
Other names: short protein forms R1643C.
Identifiers: ClinVar variation 1032371 (VCV001032371.4), dbSNP rs570861370, ClinGen allele CA2126673.
Genomic context (GRCh38, chr2:219,478,005, plus strand): 5'-TCCGGCCTGGAGTTTGCGGCCAAGTTCATCCCCAGCCAGGCCAAGCCAAAGGCATCAGCG[C>T]GTCGGGAGGCCCGGCTGCTGGCCAGGCTCCAGCACGACTGTGTCCTCTACTTCCATGAGG-3'
Protein context (NP_005867.3, residues 1633-1653): PSQAKPKASA[Arg1643Cys]REARLLARLQ

ClinVar aggregate classification (germline): Uncertain significance. Review status: criteria provided, multiple submitters, no conflicts (2 of 4 stars). 2 submissions from 2 submitters: Uncertain significance (2). Last evaluated 2022-08-16.

Conditions:
Myopathy, centronuclear, 5 (CNM5). Identifiers: Orphanet 169186, MedGen C4014814, MONDO:0014418, OMIM 615959.

Allele frequency attached by ClinVar (database versions not stated): ExAC 0.00005; gnomAD 0.00006 and 0.00007; TOPMed 0.00007; gnomAD exomes 0.00013; 1000 Genomes Project 30x 0.00016; 1000 Genomes Project 0.00020.
gnomAD v4.1: 410 of 1,614,176 alleles (0.025%); highest among the groups gnomAD compares: Non-Finnish European, 0.032%; no homozygotes.

Submissions (2):

Labcorp Genetics (formerly Invitae), Labcorp
Classification: Uncertain significance. Last evaluated: 2022-08-16. Review status: criteria provided, single submitter. Criteria: Invitae Variant Classification Sherloc (09022015). Collection method: clinical testing. Allele origin: germline.
Comment: This sequence change replaces arginine, which is basic and polar, with cysteine, which is neutral and slightly polar, at codon 1643 of the SPEG protein (p.Arg1643Cys). This variant is present in population databases (rs570861370, gnomAD 0.02%). This variant has not been reported in the literature in individuals affected with SPEG-related conditions. ClinVar contains an entry for this variant (Variation ID: 1032371). Algorithms developed to predict the effect of missense changes on protein structure and function are either unavailable or do not agree on the potential impact of this missense change (SIFT: "Deleterious"; PolyPhen-2: "Possibly Damaging"; Align-GVGD: "Class C0"). In summary, the available evidence is currently insufficient to determine the role of this variant in disease. Therefore, it has been classified as a Variant of Uncertain Significance.

Baylor Genetics
Classification: Uncertain significance for Myopathy, centronuclear, 5. Last evaluated: 2018-12-07. Review status: criteria provided, single submitter. Criteria: ACMG Guidelines, 2015. Collection method: clinical testing. Allele origin: unknown. Affected: yes.
Comment: This variant was determined to be of uncertain significance according to ACMG Guidelines, 2015 [PMID:25741868].